The following is an entry in ClinVar:

ClinVar aggregate classification (germline): Uncertain significance (1 of 4 stars; one submission).

gnomAD v4.1: 1 of 1,614,104 alleles (0.000062%); no homozygotes.

Submission:

Labcorp Genetics (formerly Invitae), Labcorp
Classification: Uncertain significance. Last evaluated: 2022-07-12. Review status: criteria provided, single submitter. Criteria: Invitae Variant Classification Sherloc (09022015). Collection method: clinical testing. Allele origin: germline.
Comment: This sequence change replaces arginine, which is basic and polar, with proline, which is neutral and non-polar, at codon 506 of the NBAS protein (p.Arg506Pro). In summary, the available evidence is currently insufficient to determine the role of this variant in disease. Therefore, it has been classified as a Variant of Uncertain Significance. Algorithms developed to predict the effect of missense changes on protein structure and function (SIFT, PolyPhen-2, Align-GVGD) all suggest that this variant is likely to be disruptive. This variant has not been reported in the literature in individuals affected with NBAS-related conditions. This variant is not present in population databases (gnomAD no frequency).

NM_015909.4(NBAS):c.1517G>C (p.Arg506Pro)

Gene: NBAS (NBAS subunit of NRZ tethering complex; minus strand). Cytogenetic location: 2p24.3.
Variant type: single nucleotide variant.
Coding change: c.1517G>C on transcript NM_015909.4 (MANE Select); coding-DNA position 1517, G replaced by C.
Protein change: p.Arg506Pro; replaces arginine 506 with proline.
Molecular consequence: missense variant. On other transcripts: non-coding transcript variant (1).
Genome position (GRCh38, 1-based): chr2:15,474,149, C>G on the plus strand (G>C on the coding strand, the complement: NBAS is on the minus strand). VCF-style: chr2-15474149-C-G. GRCh37 (hg19) VCF-style: chr2-15614273-C-G.
Other names: short protein forms R506P.
Identifiers: ClinVar variation 2063276 (VCV002063276.3), dbSNP rs772114231, ClinGen allele CA345888093.